The following is an entry in ClinVar:

ClinVar aggregate classification (germline): Uncertain significance. Review status: criteria provided, multiple submitters, no conflicts (2 of 4 stars). 2 submissions from 2 submitters: Uncertain significance (2). Last evaluated 2026-01-15.

Conditions:
Inborn genetic diseases. Identifiers: MedGen C0950123, MeSH D030342.
Fanconi anemia (FA). Also called: Fanconi's anemia. Identifiers: Orphanet 84, MedGen C0015625, MeSH D005199, MONDO:0019391.

gnomAD v4.1: 1 of 1,613,308 alleles (0.000062%); highest among the groups gnomAD compares: Non-Finnish European, 0.000085%; no homozygotes.

Submissions (2):

Ambry Genetics
Classification: Uncertain significance for Inborn genetic diseases. Last evaluated: 2026-01-15. Review status: criteria provided, single submitter. Criteria: Ambry Variant Classification Scheme 2023. Collection method: clinical testing. Allele origin: germline.
Comment: The p.D1163E variant (also known as c.3489C>A), located in coding exon 14 of the FANCM gene, results from a C to A substitution at nucleotide position 3489. The aspartic acid at codon 1163 is replaced by glutamic acid, an amino acid with highly similar properties. This amino acid position is conserved. In addition, this alteration is predicted to be tolerated by in silico analysis. Based on the available evidence, the clinical significance of this variant remains unclear.

Labcorp Genetics (formerly Invitae), Labcorp
Classification: Uncertain significance for Fanconi anemia. Last evaluated: 2021-12-17. Review status: criteria provided, single submitter. Criteria: Invitae Variant Classification Sherloc (09022015). Collection method: clinical testing. Allele origin: germline.
Comment: This sequence change replaces aspartic acid, which is acidic and polar, with glutamic acid, which is acidic and polar, at codon 1163 of the FANCM protein (p.Asp1163Glu). In summary, the available evidence is currently insufficient to determine the role of this variant in disease. Therefore, it has been classified as a Variant of Uncertain Significance. Algorithms developed to predict the effect of missense changes on protein structure and function output the following: SIFT: "Tolerated"; PolyPhen-2: "Benign"; Align-GVGD: "Class C0". The glutamic acid amino acid residue is found in multiple mammalian species, which suggests that this missense change does not adversely affect protein function. This variant has not been reported in the literature in individuals affected with FANCM-related conditions. This variant is present in population databases (rs758363235, gnomAD 0.0009%).

NM_020937.4(FANCM):c.3489C>A (p.Asp1163Glu)

Gene: FANCM (FA complementation group M; plus strand). Cytogenetic location: 14q21.2.
Variant type: single nucleotide variant.
Coding change: c.3489C>A on transcript NM_020937.4 (MANE Select); coding-DNA position 3489, C replaced by A.
Protein change: p.Asp1163Glu; replaces aspartic acid 1163 with glutamic acid.
Molecular consequence: missense variant.
Genome position (GRCh38, 1-based): chr14:45,176,243, C>A. VCF-style: chr14-45176243-C-A. GRCh37 (hg19) VCF-style: chr14-45645446-C-A.
Other names: c.3411C>A, p.Asp1137Glu (NM_001308133.2); short protein forms D1163E, D1137E.
Identifiers: ClinVar variation 1970900 (VCV001970900.6), dbSNP rs758363235, ClinGen allele CA7169517.
Genomic context (GRCh38, chr14:45,176,243, plus strand): 5'-GTTCGACGATGTGAGTCTTTCACCCTTGAACAGTAAAAGCGAATCTTTACCTGTGTCAGA[C>A]AAAACTGCTATTAGTGAAACGCCTCTGGTCTCTCAGTTCTTAATTTCTGATGAACTTTTG-3'
Protein context (NP_065988.1, residues 1153-1173): NSKSESLPVS[Asp1163Glu]KTAISETPLV